The following is an entry in ClinVar:

ClinVar aggregate classification (germline): Uncertain significance. Review status: criteria provided, multiple submitters, no conflicts (2 of 4 stars). 2 submissions from 2 submitters: Uncertain significance (2). Last evaluated 2026-08-13.

Conditions:
Inborn genetic diseases. Identifiers: MedGen C0950123, MeSH D030342.

Allele frequency attached by ClinVar (database versions not stated): TOPMed below 0.00001; gnomAD exomes below 0.00001.
gnomAD v4.1: 1 of 1,611,412 alleles (0.000062%); highest among the groups gnomAD compares: Non-Finnish European, 0.000085%; no homozygotes.

Submissions (2):

GeneDx
Classification: Uncertain significance. Last evaluated: 2026-08-13. Review status: criteria provided, single submitter. Criteria: GeneDx Variant Classification Process June 2021. Collection method: clinical testing. Allele origin: germline.
Comment: Not observed at significant frequency in large population cohorts (gnomAD); In silico analysis supports that this missense variant has a deleterious effect on protein structure/function; Has not been previously published as pathogenic or benign to our knowledge

Ambry Genetics
Classification: Uncertain significance for Inborn genetic diseases. Last evaluated: 2024-03-31. Review status: criteria provided, single submitter. Criteria: Ambry Variant Classification Scheme 2023. Collection method: clinical testing. Allele origin: germline.

NM_000161.3(GCH1):c.585A>C (p.Glu195Asp)

Gene: GCH1 (GTP cyclohydrolase 1; minus strand). Cytogenetic location: 14q22.2.
Variant type: single nucleotide variant.
Coding change: c.585A>C on transcript NM_000161.3 (MANE Select); coding-DNA position 585, A replaced by C.
Protein change: p.Glu195Asp; replaces glutamic acid 195 with aspartic acid.
Molecular consequence: missense variant.
Genome position (GRCh38, 1-based): chr14:54,845,809, T>G on the plus strand (A>C on the coding strand, the complement: GCH1 is on the minus strand). VCF-style: chr14-54845809-T-G. GRCh37 (hg19) VCF-style: chr14-55312527-T-G.
Other names: c.585A>C, p.Glu195Asp (NM_001024024.2, NM_001024070.2, NM_001024071.2); short protein forms E195D.
Identifiers: ClinVar variation 391248 (VCV000391248.4), dbSNP rs1057524015, ClinGen allele CA16606564.